The following is an entry in ClinVar:

NM_000260.4(MYO7A):c.3289C>T (p.Gln1097Ter)

Gene: MYO7A (myosin VIIA; plus strand). Cytogenetic location: 11q13.5.
Variant type: single nucleotide variant.
Coding change: c.3289C>T on transcript NM_000260.4 (MANE Select); coding-DNA position 3289, C replaced by T.
Protein change: p.Gln1097Ter; replaces glutamine 1097 with a stop codon.
Molecular consequence: nonsense.
Genome position (GRCh38, 1-based): chr11:77,183,071, C>T. VCF-style: chr11-77183071-C-T. GRCh37 (hg19) VCF-style: chr11-76894116-C-T.
Other names: c.3289C>T (NM_000260.3); c.3289C>T, p.Gln1097Ter (NM_001127180.2); c.3256C>T, p.Gln1086Ter (NM_001369365.1); short protein forms Q1086*, Q1097*.
Identifiers: ClinVar variation 1297516 (VCV001297516.16), dbSNP rs548381313, ClinGen allele CA224842156.

ClinVar aggregate classification (germline): Pathogenic/Likely pathogenic. Review status: criteria provided, multiple submitters, no conflicts (2 of 4 stars). 8 submissions from 8 submitters: Pathogenic (5); Likely pathogenic (1). 2 of the submissions do not count toward it. Last evaluated 2025-12-16.

Conditions:
Usher syndrome type 1 (USH1). Also called: RETINITIS PIGMENTOSA AND CONGENITAL DEAFNESS. Identifiers: Orphanet 231169, Orphanet 886, MedGen C1568247, MONDO:0010168, OMIM 276900.
Autosomal recessive nonsyndromic hearing loss 2. Also called: NEUROSENSORY NONSYNDROMIC RECESSIVE DEAFNESS 2; DEAFNESS, AUTOSOMAL RECESSIVE 2. Identifiers: Orphanet 90636, MedGen C1838701, MONDO:0010807, OMIM 600060.
Autosomal dominant nonsyndromic hearing loss 11. Identifiers: Orphanet 90635, MedGen C1832475, MONDO:0011032, OMIM 601317.
Usher syndrome. Also called: Usher Syndromes; Usher's syndrome. Identifiers: Orphanet 886, MedGen CN469326, MeSH D052245, MONDO:0019501. Disease mechanism: loss of function.
MYO7A-related disorder. Also called: MYO7A-related disorders.

Allele frequency attached by ClinVar (database versions not stated): gnomAD 0.00001; gnomAD exomes 0.00001.
gnomAD v4.1: 5 of 1,551,104 alleles (0.00032%); highest among the groups gnomAD compares: Non-Finnish European, 0.00035%; no homozygotes.

Submissions (8):

Women's Health and Genetics/Laboratory Corporation of America, LabCorp
Classification: Pathogenic for Usher syndrome. Last evaluated: 2025-12-16. Review status: criteria provided, single submitter. Criteria: LabCorp Variant Classification Summary - May 2015. Collection method: clinical testing. Allele origin: germline.
Comment: Variant summary: MYO7A c.3289C>T (p.Gln1097X) results in a premature termination codon, predicted to cause a truncation of the encoded protein or absence of the protein due to nonsense mediated decay, which are commonly known mechanisms for disease. The frequency data for this variant in gnomAD is considered unreliable, as metrics indicate poor data quality at this position. c.3289C>T has been observed as compound heterozygous in at least one individual affected with clinical features of autosomal recessive Usher syndrome (Zazo_2017). To our knowledge, no experimental evidence demonstrating an impact on protein function has been reported. The following publications have been ascertained in the context of this evaluation (PMID: 31964843, 28000701). ClinVar contains an entry for this variant (Variation ID: 1297516). To our knowledge, this variant has not been reported in individuals with autosomal dominant MYO7A-related conditions. Based on the evidence outlined above, the variant was classified as pathogenic for autosomal recessive Usher syndrome.

GeneDx
Classification: Pathogenic. Last evaluated: 2025-03-05. Review status: criteria provided, single submitter. Criteria: GeneDx Variant Classification Process June 2021. Collection method: clinical testing. Allele origin: germline. Affected: yes.
Comment: Nonsense variant predicted to result in protein truncation or nonsense mediated decay in a gene for which loss of function is a known mechanism of disease; Not observed at a significant frequency in large population cohorts (gnomAD); This variant is associated with the following publications: (PMID: 31964843, 32372680, 28000701)

Center for Genomic Medicine, Rigshospitalet, Copenhagen University Hospital
Classification: Pathogenic. Last evaluated: 2025-03-04. Review status: criteria provided, single submitter. Criteria: ACMG Guidelines, 2015. Collection method: clinical testing. Allele origin: germline.

Blueprint Genetics
Classification: Likely pathogenic for MYO7A-related disorders. Last evaluated: 2024-08-06. Review status: criteria provided, single submitter. Criteria: ACMG Guidelines, 2015. Collection method: clinical testing. Allele origin: germline. Affected: yes. Observed: 1 variant allele.

Fulgent Genetics
Classification: Pathogenic for Usher syndrome type 1; Autosomal recessive nonsyndromic hearing loss 2; Autosomal dominant nonsyndromic hearing loss 11. Last evaluated: 2024-05-05. Review status: criteria provided, single submitter. Criteria: ACMG Guidelines, 2015. Collection method: clinical testing. Allele origin: germline.

Labcorp Genetics (formerly Invitae), Labcorp
Classification: Pathogenic. Last evaluated: 2023-12-10. Review status: criteria provided, single submitter. Criteria: Invitae Variant Classification Sherloc (09022015). Collection method: clinical testing. Allele origin: germline.
Comment: This sequence change creates a premature translational stop signal (p.Gln1097*) in the MYO7A gene. It is expected to result in an absent or disrupted protein product. Loss-of-function variants in MYO7A are known to be pathogenic (PMID: 8900236, 25404053). This variant is present in population databases (rs548381313, gnomAD 0.001%). This premature translational stop signal has been observed in individual(s) with deafness (PMID: 28000701). ClinVar contains an entry for this variant (Variation ID: 1297516). For these reasons, this variant has been classified as Pathogenic.

Clinical Genetics DNA and cytogenetics Diagnostics Lab, Erasmus MC, Erasmus Medical Center
Classification: Pathogenic. Review status: no assertion criteria provided. Collection method: clinical testing. Allele origin: germline. Affected: yes. Study: VKGL Data-share Consensus. Not counted in ClinVar's aggregate classification.

Joint Genome Diagnostic Labs from Nijmegen and Maastricht, Radboudumc and MUMC+
Classification: Pathogenic. Review status: no assertion criteria provided. Collection method: clinical testing. Allele origin: germline. Affected: yes. Study: VKGL Data-share Consensus. Not counted in ClinVar's aggregate classification.

Literature cited by the submitters: PubMed 28000701 (cited by 3 submitters); PubMed 31964843 (cited by Women's Health and Genetics/Laboratory Corporation of America, LabCorp); PubMed 8900236 (cited by Labcorp Genetics (formerly Invitae), Labcorp); PubMed 25404053 (cited by Labcorp Genetics (formerly Invitae), Labcorp).